The following is an entry in ClinVar:

NM_002907.4(RECQL):c.1616G>C (p.Arg539Pro)

Gene: RECQL (RecQ like helicase; minus strand). Cytogenetic location: 12p12.1.
Variant type: single nucleotide variant.
Coding change: c.1616G>C on transcript NM_002907.4 (MANE Select); coding-DNA position 1616, G replaced by C.
Protein change: p.Arg539Pro; replaces arginine 539 with proline.
Molecular consequence: missense variant.
Genome position (GRCh38, 1-based): chr12:21,471,479, C>G on the plus strand (G>C on the coding strand, the complement: RECQL is on the minus strand). VCF-style: chr12-21471479-C-G. GRCh37 (hg19) VCF-style: chr12-21624413-C-G.
Other names: c.1616G>C, p.Arg539Pro (NM_032941.3); short protein forms R539P.
Identifiers: ClinVar variation 1254239 (VCV001254239.12), dbSNP rs367657766, ClinGen allele CA6478709.

ClinVar aggregate classification (germline): Uncertain significance. Review status: criteria provided, multiple submitters, no conflicts (2 of 4 stars). 4 submissions from 4 submitters: Uncertain significance (4). Last evaluated 2026-01-06.

Allele frequency attached by ClinVar (database versions not stated): ExAC 0.00001.
gnomAD v4.1: 16 of 1,613,020 alleles (0.00099%); highest among the groups gnomAD compares: Admixed American, 0.0017%; no homozygotes.

Submissions (4):

Labcorp Genetics (formerly Invitae), Labcorp
Classification: Uncertain significance. Last evaluated: 2026-01-06. Review status: criteria provided, single submitter. Criteria: Invitae Variant Classification Sherloc (09022015). Collection method: clinical testing. Allele origin: germline.
Comment: This sequence change replaces arginine, which is basic and polar, with proline, which is neutral and non-polar, at codon 539 of the RECQL protein (p.Arg539Pro). This variant is present in population databases (rs367657766, gnomAD 0.007%). This missense change has been observed in individual(s) with breast cancer (PMID: 25945795). ClinVar contains an entry for this variant (Variation ID: 1254239). Invitae Evidence Modeling of protein sequence and biophysical properties (such as structural, functional, and spatial information, amino acid conservation, physicochemical variation, residue mobility, and thermodynamic stability) indicates that this missense variant is not expected to disrupt RECQL protein function with a negative predictive value of 80%. In summary, the available evidence is currently insufficient to determine the role of this variant in disease. Therefore, it has been classified as a Variant of Uncertain Significance.

GeneDx
Classification: Uncertain significance. Last evaluated: 2024-12-30. Review status: criteria provided, single submitter. Criteria: GeneDx Variant Classification Process June 2021. Collection method: clinical testing. Allele origin: germline. Affected: yes.
Comment: Variants in candidate genes are classified as variants of uncertain significance in accordance with ACMG guidelines (PMID: 25741868); Not observed at significant frequency in large population cohorts (gnomAD); In silico analysis supports that this missense variant has a deleterious effect on protein structure/function; Published functional studies suggest no damaging effect: helicase activity comparable to wild type (PMID: 25945795); Observed in individuals with familial breast cancer (PMID: 25945795); This variant is associated with the following publications: (PMID: 23396353, 27248010, 19151156, 25945795)

Ambry Genetics
Classification: Uncertain significance. Last evaluated: 2024-11-22. Review status: criteria provided, single submitter. Criteria: Ambry Variant Classification Scheme 2023. Collection method: clinical testing. Allele origin: germline.
Comment: The p.R539P variant (also known as c.1616G>C), located in coding exon 12 of the RECQL gene, results from a G to C substitution at nucleotide position 1616. The arginine at codon 539 is replaced by proline, an amino acid with dissimilar properties. This variant was identified in a cohort of 448 BRCA1/2-negative familial breast cancer patients, and functional analysis indicated that the p.R539P alteration showed normal helicase activity (Sun J et al. PLoS Genet., 2015 May;11:e1005228). This amino acid position is highly conserved in available vertebrate species. In addition, the in silico prediction for this alteration is inconclusive. Since supporting evidence is limited at this time, the clinical significance of this alteration remains unclear.

Quest Diagnostics Nichols Institute San Juan Capistrano
Classification: Uncertain significance. Last evaluated: 2021-08-11. Review status: criteria provided, single submitter. Criteria: Quest Diagnostics criteria. Collection method: clinical testing. Allele origin: unknown.

Literature cited by the submitters: PubMed 25945795 (cited by 3 submitters).